The following is an entry in ClinVar:

NM_022369.4(STRA6):c.1685-5C>G

Gene: STRA6 (signaling receptor and transporter of retinol STRA6; minus strand). Cytogenetic location: 15q24.1.
Variant type: single nucleotide variant.
Coding change: c.1685-5C>G on transcript NM_022369.4 (MANE Select); 5 bases into the intron before coding-DNA position 1685, C replaced by G.
Molecular consequence: intron variant.
Genome position (GRCh38, 1-based): chr15:74,180,942, G>C on the plus strand (C>G on the coding strand, the complement: STRA6 is on the minus strand). VCF-style: chr15-74180942-G-C. GRCh37 (hg19) VCF-style: chr15-74473283-G-C.
Other names: c.1796-5C>G (NM_001199040.2); c.1658-5C>G (NM_001142619.2); c.1685-5C>G (NM_001142617.2, NM_001142618.2); c.1730-5C>G (NM_001199041.2); c.1802-5C>G (NM_001199042.2).
Identifiers: ClinVar variation 317100 (VCV000317100.54), dbSNP rs201730717, ClinGen allele CA7654464.

ClinVar aggregate classification (germline): Conflicting classifications of pathogenicity. Review status: criteria provided, conflicting classifications (1 of 4 stars). 9 submissions from 9 submitters: Uncertain significance (2); Likely benign (3). 4 of the submissions do not count toward it. Last evaluated 2026-08-01.

Conditions:
STRA6-related disorder. Also called: STRA6-related condition.
Microphthalmia, syndromic 9. Also called: Matthew-Wood syndrome; ANOPHTHALMIA, CLINICAL, WITH MILD FACIAL DYSMORPHISM AND VARIABLE MALFORMATIONS OF THE LUNG, HEART, AND DIAPHRAGM; ANOPHTHALMIA/MICROPHTHALMIA AND PULMONARY HYPOPLASIA; PULMONARY AGENESIS, MICROPHTHALMIA, AND DIAPHRAGMATIC DEFECT; SPEAR SYNDROME. Identifiers: Orphanet 2470, MedGen C1832661, MONDO:0011010, OMIM 601186.

Allele frequency attached by ClinVar (database versions not stated): 1000 Genomes Project 0.00040; 1000 Genomes Project 30x 0.00047; gnomAD 0.00112; TOPMed 0.00119; ESP Exome Variant Server 0.00154.
gnomAD v4.1: 2,689 of 1,613,640 alleles (0.17%); highest among the groups gnomAD compares: Non-Finnish European, 0.21%; 7 homozygotes.

Submissions (11):

CeGaT Center for Human Genetics Tuebingen
Classification: Likely benign. Last evaluated: 2026-08-01. Review status: criteria provided, single submitter. Criteria: CeGaT Center For Human Genetics Tuebingen Variant Classification Criteria Version 2. Collection method: clinical testing. Allele origin: germline. Affected: yes. Observed: 4 variant alleles.
Comment: STRA6: BS2

Labcorp Genetics (formerly Invitae), Labcorp
Classification: Likely benign for Microphthalmia, syndromic 9. Last evaluated: 2025-10-12. Review status: criteria provided, single submitter. Criteria: Invitae Variant Classification Sherloc (09022015). Collection method: clinical testing. Allele origin: germline.

GeneDx
Classification: Uncertain significance. Last evaluated: 2025-05-05. Review status: criteria provided, single submitter. Criteria: GeneDx Variant Classification Process June 2021. Collection method: clinical testing. Allele origin: germline. Affected: yes.
Comment: Has not been previously published as pathogenic or benign to our knowledge; In silico analysis suggests this variant may impact gene splicing. In the absence of RNA/functional studies, the actual effect of this sequence change is unknown.

Blueprint Genetics
Classification: Likely benign. Last evaluated: 2024-11-27. Review status: criteria provided, single submitter. Criteria: ACMG Guidelines, 2015. Collection method: clinical testing. Allele origin: germline.

Illumina Laboratory Services, Illumina
Classification: Uncertain significance for Microphthalmia, syndromic 9. Last evaluated: 2018-01-13. Review status: criteria provided, single submitter. Criteria: ICSL Variant Classification Criteria 13 December 2019. Collection method: clinical testing. Allele origin: germline.

PreventionGenetics, part of Exact Sciences
Classification: Likely benign for STRA6-related condition. Last evaluated: 2024-01-16. Review status: no assertion criteria provided. Collection method: clinical testing. Allele origin: germline. Not counted in ClinVar's aggregate classification.
Comment: This variant is classified as likely benign based on ACMG/AMP sequence variant interpretation guidelines (Richards et al. 2015 PMID: 25741868, with internal and published modifications).

Clinical Genetics DNA and cytogenetics Diagnostics Lab, Erasmus MC, Erasmus Medical Center
Classification: Likely benign. Review status: no assertion criteria provided. Collection method: clinical testing. Allele origin: germline. Affected: yes. Study: VKGL Data-share Consensus. Not counted in ClinVar's aggregate classification.

Department of Pathology and Laboratory Medicine, Sinai Health System
Classification: Uncertain significance. Review status: no assertion criteria provided. Collection method: clinical testing. Allele origin: unknown. Affected: yes. Study: The Canadian Open Genetics Repository (COGR). Not counted in ClinVar's aggregate classification.
Comment: The STRA6 c.1685-5C>G variant was not identified in the literature nor was it identified in Cosmic. The variant was identified in dbSNP (ID: rs201730717), ClinVar (classified as a VUS by Illumina) and LOVD 3.0 (classified as likely benign). The variant was also identified in control databases in 315 of 281584 chromosomes (1 homozygous) at a frequency of 0.001119 increasing the likelihood this could be a low frequency benign variant (Genome Aggregation Database Feb 27, 2017). The variant was observed in the following populations: European (non-Finnish) in 266 of 128418 chromosomes (freq: 0.002071), European (Finnish) in 27 of 24788 chromosomes (freq: 0.001089), Other in 5 of 7196 chromosomes (freq: 0.000695), Latino in 12 of 35414 chromosomes (freq: 0.000339), Ashkenazi Jewish in 1 of 10318 chromosomes (freq: 0.000097), African in 2 of 24894 chromosomes (freq: 0.00008) and South Asian in 2 of 30610 chromosomes (freq: 0.000065), while the variant was not observed in the East Asian population. The c.1685-5C>G variant is located in the 3' splice region but does not affect the invariant -1 and -2 positions. However, positions -3 and -5 to -12 are part of the splicing consensus sequence and variants involving these positions sometimes affect splicing. In addition, 3 of 4 in silico or computational prediction software programs (MaxEntScan, NNSPLICE, GeneSplicer) predict a greater than 10% difference in splicing and a decrease in the strength of the 3' splice site. In summary, based on the above information the clinical significance of this variant cannot be determined with certainty at this time. This variant is classified as a variant of uncertain significance.

Dr. Peter K. Rogan Lab, Western University
No classification provided (evidence only). Condition: Lung cancer. Review status: no classification provided. Collection method: in vitro. Allele origin: not applicable. Functional consequence: retained intron. Not counted in ClinVar's aggregate classification.

Dr. Peter K. Rogan Lab, Western University
No classification provided (evidence only). Condition: Gastric cancer. Review status: no classification provided. Collection method: in vitro. Allele origin: not applicable. Functional consequence: retained intron. Not counted in ClinVar's aggregate classification.

Genome Diagnostics Laboratory, University Medical Center Utrecht
Classification: Likely benign. Review status: no assertion criteria provided. Collection method: clinical testing. Allele origin: germline. Affected: yes. Study: VKGL Data-share Consensus. Not counted in ClinVar's aggregate classification.